The following is an entry in ClinVar:

ClinVar aggregate classification (germline): Uncertain significance (1 of 4 stars; one submission).

Conditions:
SEMA3E-related disorder. Also called: SEMA3E-related condition.

Submission:

PreventionGenetics, part of Exact Sciences
Classification: Uncertain significance for SEMA3E-related condition. Last evaluated: 2024-12-03. Review status: criteria provided, single submitter. Criteria: ACMG Guidelines, 2015. Collection method: clinical testing. Allele origin: germline.
Comment: The SEMA3E c.1666A>G variant is predicted to result in the amino acid substitution p.Arg556Gly. To our knowledge, this variant has not been reported in the literature or in a large population database (gnomAD), indicating this variant is rare. At this time, the clinical significance of this variant is uncertain due to the absence of conclusive functional and genetic evidence.

NM_012431.3(SEMA3E):c.1666A>G (p.Arg556Gly)

Gene: SEMA3E (semaphorin 3E; minus strand). Cytogenetic location: 7q21.11.
Variant type: single nucleotide variant.
Coding change: c.1666A>G on transcript NM_012431.3 (MANE Select); coding-DNA position 1666, A replaced by G.
Protein change: p.Arg556Gly; replaces arginine 556 with glycine.
Molecular consequence: missense variant.
Genome position (GRCh38, 1-based): chr7:83,392,556, T>C on the plus strand (A>G on the coding strand, the complement: SEMA3E is on the minus strand). VCF-style: chr7-83392556-T-C. GRCh37 (hg19) VCF-style: chr7-83021872-T-C.
Other names: c.1486A>G, p.Arg496Gly (NM_001178129.2); short protein forms R496G, R556G.
Identifiers: ClinVar variation 4984120 (VCV004984120.1).
Genomic context (GRCh38, chr7:83,392,556, plus strand): 5'-AAAAAAGCATTAGGGTTTTCCTAAGCAAGGGAAATAGTTAATCAGGTAGCACGTCTCACC[T>C]TTTTGCATGTGTGCCTGTTGGGTAATACCGGGAGCAGGATATGCCATCCCAGGCACAGTA-3'
Protein context (NP_036563.1, residues 546-566): RYYPTGTHAK[Arg556Gly]RFRRQDVRHG